The following is an entry in ClinVar:

ClinVar aggregate classification (germline): Uncertain significance (1 of 4 stars; one submission).

gnomAD v4.1: 1 of 1,614,022 alleles (0.000062%); highest among the groups gnomAD compares: African/African-American, 0.0013%; no homozygotes.

Submission:

Ambry Genetics
Classification: Uncertain significance. Last evaluated: 2026-06-08. Review status: criteria provided, single submitter. Criteria: Ambry Variant Classification Scheme 2023. Collection method: clinical testing. Allele origin: germline.
Comment: The p.L584P variant (also known as c.1751T>C), located in coding exon 12 of the RINT1 gene, results from a T to C substitution at nucleotide position 1751. The leucine at codon 584 is replaced by proline, an amino acid with similar properties. This amino acid position is conserved. In addition, the in silico prediction for this alteration is inconclusive. Based on the available evidence, the clinical significance of this variant remains unclear.

NM_021930.6(RINT1):c.1751T>C (p.Leu584Pro)

Gene: RINT1 (RAD50 interactor 1; plus strand). Cytogenetic location: 7q22.3.
Variant type: single nucleotide variant.
Coding change: c.1751T>C on transcript NM_021930.6 (MANE Select); coding-DNA position 1751, T replaced by C.
Protein change: p.Leu584Pro; replaces leucine 584 with proline.
Molecular consequence: missense variant. On other transcripts: non-coding transcript variant (1).
Genome position (GRCh38, 1-based): chr7:105,563,812, T>C. VCF-style: chr7-105563812-T-C. GRCh37 (hg19) VCF-style: chr7-105204259-T-C.
Other names: c.1517T>C, p.Leu506Pro (NM_001346599.2); c.728T>C, p.Leu243Pro (NM_001346600.2, NM_001346603.2); c.827T>C, p.Leu276Pro (NM_001346601.2); short protein forms L243P, L276P, L506P, L584P.
Identifiers: ClinVar variation 4863349 (VCV004863349.1).